The following is an entry in ClinVar:

ClinVar aggregate classification (germline): Benign/Likely benign. Review status: criteria provided, multiple submitters, no conflicts (2 of 4 stars). 4 submissions from 4 submitters: Benign (1); Likely benign (3). Last evaluated 2026-07-14.

Conditions:
Rhabdoid tumor predisposition syndrome 2 (RTPS2). Identifiers: Orphanet 231108, Orphanet 69077, MedGen C2750074, MONDO:0013224, OMIM 613325.
Hereditary cancer-predisposing syndrome. Also called: Tumor predisposition; Neoplastic Syndromes, Hereditary; Hereditary Cancer Syndrome; Hereditary neoplastic syndrome. Identifiers: Orphanet 140162, MedGen C0027672, MeSH D009386, MONDO:0015356.

Allele frequency attached by ClinVar (database versions not stated): gnomAD exomes 0.00001 and below 0.00001; gnomAD 0.00001; TOPMed 0.00001; ExAC 0.00001; 1000 Genomes Project 0.00020; 1000 Genomes Project 30x 0.00031.
gnomAD v4.1: 5 of 1,609,488 alleles (0.00031%); highest among the groups gnomAD compares: East Asian, 0.0022%; no homozygotes.

Submissions (4):

Myriad Genetics, Inc.
Classification: Benign for Rhabdoid tumor predisposition syndrome 2. Last evaluated: 2026-07-14. Review status: criteria provided, single submitter. Criteria: Myriad Autosomal Dominant, Autosomal Recessive and X-Linked Classification Criteria (2023). Collection method: clinical testing. Allele origin: unknown.
Comment: This variant is considered benign. This variant is a silent/synonymous amino acid change and it is not expected to impact splicing.

Labcorp Genetics (formerly Invitae), Labcorp
Classification: Likely benign for Rhabdoid tumor predisposition syndrome 2. Last evaluated: 2025-12-20. Review status: criteria provided, single submitter. Criteria: Invitae Variant Classification Sherloc (09022015). Collection method: clinical testing. Allele origin: germline.

Blueprint Genetics
Classification: Likely benign. Last evaluated: 2020-04-07. Review status: criteria provided, single submitter. Criteria: ACMG Guidelines, 2015. Collection method: clinical testing. Allele origin: germline.

Ambry Genetics
Classification: Likely benign for Hereditary cancer-predisposing syndrome. Last evaluated: 2016-02-08. Review status: criteria provided, single submitter. Criteria: Ambry Variant Classification Scheme 2023. Collection method: clinical testing. Allele origin: germline.

NM_003072.5(SMARCA4):c.3501G>A (p.Ser1167=)

Gene: SMARCA4 (SWI/SNF related BAF chromatin remodeling complex subunit ATPase 4; plus strand). Cytogenetic location: 19p13.2.
Variant type: single nucleotide variant.
Coding change: c.3501G>A on transcript NM_003072.5 (MANE Select); coding-DNA position 3501, G replaced by A.
Protein change: p.Ser1167=; no amino-acid change (serine 1167 retained).
Molecular consequence: synonymous variant. On other transcripts: non-coding transcript variant (1).
Genome position (GRCh38, 1-based): chr19:11,030,848, G>A. VCF-style: chr19-11030848-G-A. GRCh37 (hg19) VCF-style: chr19-11141524-G-A.
Other names: c.3501G>A, p.Ser1167= (NM_001128844.3, NM_001128845.2, NM_001128846.2 and 5 more transcripts).
Identifiers: ClinVar variation 470354 (VCV000470354.18), dbSNP rs201875199, ClinGen allele CA9204433.